The following is an entry in ClinVar:

NM_001267550.2(TTN):c.86251G>T (p.Glu28751Ter)

Genes: TTN (titin; minus strand), TTN-AS1 (TTN antisense RNA 1; plus strand). Cytogenetic location: 2q31.2.
Variant type: single nucleotide variant.
Coding change: c.86251G>T on transcript NM_001267550.2 (MANE Select); coding-DNA position 86251, G replaced by T.
Protein change: p.Glu28751Ter; replaces glutamic acid 28751 with a stop codon.
Molecular consequence: nonsense.
Genome position (GRCh38, 1-based): chr2:178,559,881, C>A on the plus strand (G>T on the coding strand, the complement: TTN is on the minus strand). VCF-style: chr2-178559881-C-A. GRCh37 (hg19) VCF-style: chr2-179424608-C-A.
Other names: c.59056G>T, p.Glu19686Ter (NM_003319.4); c.78547G>T, p.Glu26183Ter (NM_133378.4); c.59431G>T, p.Glu19811Ter (NM_133432.3); c.59632G>T, p.Glu19878Ter (NM_133437.4); c.81328G>T, p.Glu27110Ter (NM_001256850.1); short protein forms E27110*, E19878*, E19811*, E28751*, E19686*, E26183*.
Identifiers: ClinVar variation 1508528 (VCV001508528.6), dbSNP rs772058084, ClinGen allele CA349545394.

ClinVar aggregate classification (germline): Likely pathogenic (1 of 4 stars; one submission).

Conditions:
Dilated cardiomyopathy 1G (CMD1G). Identifiers: Orphanet 154, MedGen C1858763, MONDO:0011400, OMIM 604145.
Autosomal recessive limb-girdle muscular dystrophy type 2J (LGMDR10). Also called: Limb-girdle muscular dystrophy, type 2J; MUSCULAR DYSTROPHY, LIMB-GIRDLE, AUTOSOMAL RECESSIVE 10. Identifiers: Orphanet 140922, MedGen C1837342, MONDO:0012127, OMIM 608807.

gnomAD v4.1: 1 of 1,612,822 alleles (0.000062%); highest among the groups gnomAD compares: Middle Eastern, 0.017%; no homozygotes.

Submission:

Labcorp Genetics (formerly Invitae), Labcorp
Classification: Likely pathogenic for Dilated cardiomyopathy 1G; Autosomal recessive limb-girdle muscular dystrophy type 2J. Last evaluated: 2024-07-30. Review status: criteria provided, single submitter. Criteria: Invitae Variant Classification Sherloc (09022015). Collection method: clinical testing. Allele origin: germline.
Comment: This sequence change creates a premature translational stop signal (p.Glu28751*) in the TTN gene. While this is not anticipated to result in nonsense mediated decay, it is expected to create a truncated TTN protein. This variant is not present in population databases (gnomAD no frequency). This variant has not been reported in the literature in individuals affected with TTN-related conditions. ClinVar contains an entry for this variant (Variation ID: 1508528). This variant is located in the A band of TTN (PMID: 25589632). Truncating variants in this region are significantly overrepresented in patients affected with dilated cardiomyopathy (PMID: 25589632). Truncating variants in this region have also been reported in individuals affected with autosomal recessive centronuclear myopathy (PMID: 23975875). In summary, the currently available evidence indicates that the variant is pathogenic, but additional data are needed to prove that conclusively. Therefore, this variant has been classified as Likely Pathogenic.

Literature cited by the submitters: PubMed 25589632; PubMed 23975875.